The following is an entry in ClinVar:

ClinVar aggregate classification (germline): Uncertain significance (1 of 4 stars; one submission).

Submission:

Labcorp Genetics (formerly Invitae), Labcorp
Classification: Uncertain significance. Last evaluated: 2024-10-07. Review status: criteria provided, single submitter. Criteria: Invitae Variant Classification Sherloc (09022015). Collection method: clinical testing. Allele origin: germline.
Comment: This sequence change replaces valine, which is neutral and non-polar, with methionine, which is neutral and non-polar, at codon 361 of the NFE2L2 protein (p.Val361Met). This variant is not present in population databases (gnomAD no frequency). This variant has not been reported in the literature in individuals affected with NFE2L2-related conditions. Invitae Evidence Modeling of protein sequence and biophysical properties (such as structural, functional, and spatial information, amino acid conservation, physicochemical variation, residue mobility, and thermodynamic stability) indicates that this missense variant is not expected to disrupt NFE2L2 protein function with a negative predictive value of 80%. In summary, the available evidence is currently insufficient to determine the role of this variant in disease. Therefore, it has been classified as a Variant of Uncertain Significance.

NM_006164.5(NFE2L2):c.1081G>A (p.Val361Met)

Gene: NFE2L2 (NFE2 like bZIP transcription factor 2; minus strand). Cytogenetic location: 2q31.2.
Variant type: single nucleotide variant.
Coding change: c.1081G>A on transcript NM_006164.5 (MANE Select); coding-DNA position 1081, G replaced by A.
Protein change: p.Val361Met; replaces valine 361 with methionine.
Molecular consequence: missense variant.
Genome position (GRCh38, 1-based): chr2:177,231,522, C>T on the plus strand (G>A on the coding strand, the complement: NFE2L2 is on the minus strand). VCF-style: chr2-177231522-C-T. GRCh37 (hg19) VCF-style: chr2-178096250-C-T.
Other names: c.1033G>A, p.Val345Met (NM_001145412.3, NM_001313900.1, NM_001313901.1); c.1012G>A, p.Val338Met (NM_001145413.3); c.991G>A, p.Val331Met (NM_001313902.2); c.862G>A, p.Val288Met (NM_001313903.2); c.781G>A, p.Val261Met (NM_001313904.1); short protein forms V261M, V288M, V345M, V361M, V331M, V338M.
Identifiers: ClinVar variation 3688264 (VCV003688264.2).